The following is an entry in ClinVar:

ClinVar aggregate classification (germline): Uncertain significance (1 of 4 stars; one submission).

gnomAD v4.1: 1 of 1,211,713 alleles (0.000083%); highest among the groups gnomAD compares: Non-Finnish European, 0.00011%; no homozygotes.

Submission:

Dasa
Classification: Uncertain significance. Last evaluated: 2025-09-05. Review status: criteria provided, single submitter. Criteria: DASA Assertion Criteria. Collection method: clinical testing. Allele origin: germline.
Comment: NM_006950.3(SYN1):c.407A>G (p.His136Arg) is a missense variant that results in the substitution of histidine with arginine. This variant is rare in population databases. Computational prediction algorithms are consistent with a benign effect. The currently available literature and clinical evidence are not sufficient to establish a definitive association between this variant and the reported condition. Therefore, this variant is classified as a variant of uncertain significance.

NM_006950.3(SYN1):c.407A>G (p.His136Arg)

Gene: SYN1 (synapsin I; minus strand). Cytogenetic location: Xp11.23.
Variant type: single nucleotide variant.
Coding change: c.407A>G on transcript NM_006950.3 (MANE Select); coding-DNA position 407, A replaced by G.
Protein change: p.His136Arg; replaces histidine 136 with arginine.
Molecular consequence: missense variant.
Genome position (GRCh38, 1-based): chrX:47,607,169, T>C on the plus strand (A>G on the coding strand, the complement: SYN1 is on the minus strand). VCF-style: chrX-47607169-T-C. GRCh37 (hg19) VCF-style: chrX-47466568-T-C.
Other names: c.407A>G, p.His136Arg (NM_133499.2); short protein forms H136R.
Identifiers: ClinVar variation 4885474 (VCV004885474.2).
Genomic context (GRCh38, chrX:47,607,169, plus strand): 5'-ACTGACCCCCAGGTCCAAATGTCCCAACTTACCTGTTCTACTTTAATGTCAATTTCTCCA[T>C]GGATCTTTTTCCCTTTGAAGTATTTTGCCCTGGAGAGGAAAAACAACACATCTGTCAATG-3'
Protein context (NP_008881.2, residues 126-146): WAKYFKGKKI[His136Arg]GEIDIKVEQA